The following is an entry in ClinVar:

ClinVar aggregate classification (germline): Uncertain significance. Review status: criteria provided, multiple submitters, no conflicts (2 of 4 stars). 2 submissions from 2 submitters: Uncertain significance (2). Last evaluated 2025-03-03.

Conditions:
Inborn genetic diseases. Identifiers: MedGen C0950123, MeSH D030342.

Allele frequency attached by ClinVar (database versions not stated): gnomAD 0.00001; gnomAD exomes 0.00001 and 0.00008; TOPMed 0.00002; ESP Exome Variant Server 0.00008.
gnomAD v4.1: 112 of 1,613,892 alleles (0.0069%); highest among the groups gnomAD compares: Non-Finnish European, 0.0093%; no homozygotes.

Submissions (2):

Labcorp Genetics (formerly Invitae), Labcorp
Classification: Uncertain significance. Last evaluated: 2025-03-03. Review status: criteria provided, single submitter. Criteria: Invitae Variant Classification Sherloc (09022015). Collection method: clinical testing. Allele origin: germline.
Comment: This sequence change replaces isoleucine, which is neutral and non-polar, with phenylalanine, which is neutral and non-polar, at codon 389 of the GRM6 protein (p.Ile389Phe). This variant is present in population databases (rs370626946, gnomAD 0.002%). This variant has not been reported in the literature in individuals affected with GRM6-related conditions. ClinVar contains an entry for this variant (Variation ID: 943290). Invitae Evidence Modeling of protein sequence and biophysical properties (such as structural, functional, and spatial information, amino acid conservation, physicochemical variation, residue mobility, and thermodynamic stability) has been performed for this missense variant. However, the output from this modeling did not meet the statistical confidence thresholds required to predict the impact of this variant on GRM6 protein function. In summary, the available evidence is currently insufficient to determine the role of this variant in disease. Therefore, it has been classified as a Variant of Uncertain Significance.

Ambry Genetics
Classification: Uncertain significance for Inborn genetic diseases. Last evaluated: 2023-10-16. Review status: criteria provided, single submitter. Criteria: Ambry Variant Classification Scheme 2023. Collection method: clinical testing. Allele origin: germline.

NM_000843.4(GRM6):c.1165A>T (p.Ile389Phe)

Genes: GRM6 (glutamate metabotropic receptor 6; minus strand), ZNF454 (zinc finger protein 454; plus strand). Cytogenetic location: 5q35.3.
Variant type: single nucleotide variant.
Coding change: c.1165A>T on transcript NM_000843.4 (MANE Select); coding-DNA position 1165, A replaced by T.
Protein change: p.Ile389Phe; replaces isoleucine 389 with phenylalanine.
Molecular consequence: missense variant.
Genome position (GRCh38, 1-based): chr5:178,989,124, T>A on the plus strand (A>T on the coding strand, the complement: GRM6 is on the minus strand). VCF-style: chr5-178989124-T-A. GRCh37 (hg19) VCF-style: chr5-178416125-T-A.
Other names: short protein forms I389F.
Identifiers: ClinVar variation 943290 (VCV000943290.9), dbSNP rs370626946, ClinGen allele CA133027753.